The following is an entry in ClinVar:

ClinVar aggregate classification (germline): Uncertain significance. Review status: criteria provided, multiple submitters, no conflicts (2 of 4 stars). 3 submissions from 3 submitters: Uncertain significance (3). Last evaluated 2024-12-20.

Conditions:
Mosaic variegated aneuploidy syndrome 2 (MVA2). Identifiers: Orphanet 1052, MedGen C3279843, MONDO:0013582, OMIM 614114.
Inborn genetic diseases. Identifiers: MedGen C0950123, MeSH D030342.

Allele frequency attached by ClinVar (database versions not stated): ExAC 0.00001; gnomAD 0.00001; gnomAD exomes 0.00001 and 0.00002.
gnomAD v4.1: 15 of 1,613,876 alleles (0.00093%); highest among the groups gnomAD compares: Middle Eastern, 0.016%; no homozygotes.

Submissions (3):

Ambry Genetics
Classification: Uncertain significance for Inborn genetic diseases. Last evaluated: 2024-12-20. Review status: criteria provided, single submitter. Criteria: Ambry Variant Classification Scheme 2023. Collection method: clinical testing. Allele origin: germline.
Comment: The p.R52H variant (also known as c.155G>A), located in coding exon 2 of the CEP57 gene, results from a G to A substitution at nucleotide position 155. The arginine at codon 52 is replaced by histidine, an amino acid with highly similar properties. This amino acid position is conserved. In addition, this alteration is predicted to be tolerated by in silico analysis. Based on the available evidence, the clinical significance of this variant remains unclear.

Labcorp Genetics (formerly Invitae), Labcorp
Classification: Uncertain significance for Mosaic variegated aneuploidy syndrome 2. Last evaluated: 2024-11-18. Review status: criteria provided, single submitter. Criteria: Invitae Variant Classification Sherloc (09022015). Collection method: clinical testing. Allele origin: germline.
Comment: This sequence change replaces arginine, which is basic and polar, with histidine, which is basic and polar, at codon 52 of the CEP57 protein (p.Arg52His). This variant is present in population databases (rs771323616, gnomAD 0.01%). This variant has not been reported in the literature in individuals affected with CEP57-related conditions. ClinVar contains an entry for this variant (Variation ID: 1420369). Invitae Evidence Modeling of protein sequence and biophysical properties (such as structural, functional, and spatial information, amino acid conservation, physicochemical variation, residue mobility, and thermodynamic stability) indicates that this missense variant is not expected to disrupt CEP57 protein function with a negative predictive value of 80%. In summary, the available evidence is currently insufficient to determine the role of this variant in disease. Therefore, it has been classified as a Variant of Uncertain Significance.

Fulgent Genetics
Classification: Uncertain significance for Mosaic variegated aneuploidy syndrome 2. Last evaluated: 2024-02-08. Review status: criteria provided, single submitter. Criteria: ACMG Guidelines, 2015. Collection method: clinical testing. Allele origin: germline.

NM_014679.5(CEP57):c.155G>A (p.Arg52His)

Gene: CEP57 (centrosomal protein 57; plus strand). Cytogenetic location: 11q21.
Variant type: single nucleotide variant.
Coding change: c.155G>A on transcript NM_014679.5 (MANE Select); coding-DNA position 155, G replaced by A.
Protein change: p.Arg52His; replaces arginine 52 with histidine.
Molecular consequence: missense variant.
Genome position (GRCh38, 1-based): chr11:95,799,341, G>A. VCF-style: chr11-95799341-G-A. GRCh37 (hg19) VCF-style: chr11-95532505-G-A.
Other names: c.128G>A, p.Arg43His (NM_001243776.2); c.155G>A, p.Arg52His (NM_001243777.2); c.74G>A, p.Arg25His (NM_001363604.2); c.155G>A (NM_014679.4); short protein forms R52H, R25H, R43H.
Identifiers: ClinVar variation 1420369 (VCV001420369.8), dbSNP rs771323616, ClinGen allele CA6239380.